The following is an entry in ClinVar:

ClinVar aggregate classification (germline): Uncertain significance (1 of 4 stars; one submission).

Conditions:
Craniolenticulosutural dysplasia (CLSD). Also called: BOYADJIEV-JABS SYNDROME. Identifiers: Orphanet 50814, MedGen C1843042, MONDO:0011911, OMIM 607812.

gnomAD v4.1: 25 of 1,593,842 alleles (0.0016%); highest among the groups gnomAD compares: African/African-American, 0.012%; no homozygotes.

Submission:

Labcorp Genetics (formerly Invitae), Labcorp
Classification: Uncertain significance for Craniolenticulosutural dysplasia. Last evaluated: 2025-01-15. Review status: criteria provided, single submitter. Criteria: Invitae Variant Classification Sherloc (09022015). Collection method: clinical testing. Allele origin: germline.
Comment: This sequence change replaces serine, which is neutral and polar, with glycine, which is neutral and non-polar, at codon 566 of the SEC23A protein (p.Ser566Gly). This variant is present in population databases (rs148087647, gnomAD 0.01%). This variant has not been reported in the literature in individuals affected with SEC23A-related conditions. Invitae Evidence Modeling of protein sequence and biophysical properties (such as structural, functional, and spatial information, amino acid conservation, physicochemical variation, residue mobility, and thermodynamic stability) indicates that this missense variant is not expected to disrupt SEC23A protein function with a negative predictive value of 80%. In summary, the available evidence is currently insufficient to determine the role of this variant in disease. Therefore, it has been classified as a Variant of Uncertain Significance.

NM_006364.4(SEC23A):c.1696A>G (p.Ser566Gly)

Gene: SEC23A (SEC23 homolog A, COPII component; minus strand). Cytogenetic location: 14q21.1.
Variant type: single nucleotide variant.
Coding change: c.1696A>G on transcript NM_006364.4 (MANE Select); coding-DNA position 1696, A replaced by G.
Protein change: p.Ser566Gly; replaces serine 566 with glycine.
Molecular consequence: missense variant.
Genome position (GRCh38, 1-based): chr14:39,048,693, T>C on the plus strand (A>G on the coding strand, the complement: SEC23A is on the minus strand). VCF-style: chr14-39048693-T-C. GRCh37 (hg19) VCF-style: chr14-39517897-T-C.
Other names: short protein forms S566G.
Identifiers: ClinVar variation 3670728 (VCV003670728.2).